The following is an entry in ClinVar:

NM_014633.5(CTR9):c.2097C>T (p.Ser699=)

Gene: CTR9 (CTR9 component of Paf1/RNA polymerase II complex; plus strand). Cytogenetic location: 11p15.4.
Variant type: single nucleotide variant.
Coding change: c.2097C>T on transcript NM_014633.5 (MANE Select); coding-DNA position 2097, C replaced by T.
Protein change: p.Ser699=; no amino-acid change (serine 699 retained).
Molecular consequence: synonymous variant.
Genome position (GRCh38, 1-based): chr11:10,768,479, C>T. VCF-style: chr11-10768479-C-T. GRCh37 (hg19) VCF-style: chr11-10790026-C-T.
Other names: c.2097C>T, p.Ser699= (NM_001346279.2).
Identifiers: ClinVar variation 1167560 (VCV001167560.33), dbSNP rs140813178, ClinGen allele CA5885230.

ClinVar aggregate classification (germline): Benign/Likely benign. Review status: criteria provided, multiple submitters, no conflicts (2 of 4 stars). 2 submissions from 2 submitters: Benign (1); Likely benign (1). Last evaluated 2026-03-01.

Allele frequency attached by ClinVar (database versions not stated): ExAC 0.00045; gnomAD exomes 0.00054 and 0.00124; TOPMed 0.00065; gnomAD 0.00067 and 0.00068; ESP Exome Variant Server 0.00077.
gnomAD v4.1: 1,875 of 1,603,406 alleles (0.12%); highest among the groups gnomAD compares: Non-Finnish European, 0.15%; no homozygotes.

Submissions (2):

CeGaT Center for Human Genetics Tuebingen
Classification: Likely benign. Last evaluated: 2026-03-01. Review status: criteria provided, single submitter. Criteria: CeGaT Center For Human Genetics Tuebingen Variant Classification Criteria Version 2. Collection method: clinical testing. Allele origin: germline. Affected: yes. Observed: 5 variant alleles.
Comment: CTR9: BP4, BP7

Labcorp Genetics (formerly Invitae), Labcorp
Classification: Benign. Last evaluated: 2026-01-18. Review status: criteria provided, single submitter. Criteria: Invitae Variant Classification Sherloc (09022015). Collection method: clinical testing. Allele origin: germline.